The following is an entry in ClinVar:

ClinVar aggregate classification (germline): Uncertain significance (1 of 4 stars; one submission).

Conditions:
Catecholaminergic polymorphic ventricular tachycardia 1. Also called: VENTRICULAR TACHYCARDIA, CATECHOLAMINERGIC POLYMORPHIC, 1, WITH OR WITHOUT ATRIAL DYSFUNCTION AND/OR DILATED CARDIOMYOPATHY; VENTRICULAR TACHYCARDIA, STRESS-INDUCED POLYMORPHIC 1; RYR2-Related Catecholaminergic Polymorphic Ventricular Tachycardia. Identifiers: Orphanet 3286, MedGen C1631597, MONDO:0011484, OMIM 604772.

Submission:

Labcorp Genetics (formerly Invitae), Labcorp
Classification: Uncertain significance for Catecholaminergic polymorphic ventricular tachycardia 1. Last evaluated: 2023-01-31. Review status: criteria provided, single submitter. Criteria: Invitae Variant Classification Sherloc (09022015). Collection method: clinical testing. Allele origin: germline.
Comment: In summary, the available evidence is currently insufficient to determine the role of this variant in disease. Therefore, it has been classified as a Variant of Uncertain Significance. Advanced modeling of protein sequence and biophysical properties (such as structural, functional, and spatial information, amino acid conservation, physicochemical variation, residue mobility, and thermodynamic stability) performed at Invitae indicates that this missense variant is expected to disrupt RYR2 protein function. This variant has not been reported in the literature in individuals affected with RYR2-related conditions. This variant is not present in population databases (gnomAD no frequency). This sequence change replaces glutamic acid, which is acidic and polar, with lysine, which is basic and polar, at codon 4963 of the RYR2 protein (p.Glu4963Lys).

NM_001035.3(RYR2):c.14887G>A (p.Glu4963Lys)

Gene: RYR2 (ryanodine receptor 2; plus strand). Cytogenetic location: 1q43.
Variant type: single nucleotide variant.
Coding change: c.14887G>A on transcript NM_001035.3 (MANE Select); coding-DNA position 14887, G replaced by A.
Protein change: p.Glu4963Lys; replaces glutamic acid 4963 with lysine.
Molecular consequence: missense variant.
Genome position (GRCh38, 1-based): chr1:237,832,630, G>A. VCF-style: chr1-237832630-G-A. GRCh37 (hg19) VCF-style: chr1-237995930-G-A.
Other names: short protein forms E4963K.
Identifiers: ClinVar variation 2833181 (VCV002833181.3), dbSNP rs2528507700, ClinGen allele CA345411098.
Genomic context (GRCh38, chr1:237,832,630, plus strand): 5'-ATGTATCAAGAAAGGTGTTGGGAATTTTTCCCAGCAGGGGATTGCTTCCGGAAACAGTAT[G>A]AAGACCAGCTAAATTAAACTCAGACCCAATCACCTCTAAAAACCAAAACCCTACCCCTCT-3'
Protein context (NP_001026.2, residues 4953-4967): PAGDCFRKQY[Glu4963Lys]DQLN